The following is an entry in ClinVar:

ClinVar aggregate classification (germline): Uncertain significance (1 of 4 stars; one submission).

Conditions:
Hereditary cancer-predisposing syndrome. Also called: Neoplastic Syndromes, Hereditary; Tumor predisposition; Hereditary neoplastic syndrome; Hereditary Cancer Syndrome. Identifiers: Orphanet 140162, MedGen C0027672, MeSH D009386, MONDO:0015356.

Submission:

Ambry Genetics
Classification: Uncertain significance for Hereditary cancer-predisposing syndrome. Last evaluated: 2023-03-14. Review status: criteria provided, single submitter. Criteria: Ambry Variant Classification Scheme 2023. Collection method: clinical testing. Allele origin: germline.
Comment: The p.F600S variant (also known as c.1799T>C), located in coding exon 8 of the BARD1 gene, results from a T to C substitution at nucleotide position 1799. The phenylalanine at codon 600 is replaced by serine, an amino acid with highly dissimilar properties. This amino acid position is conserved. In addition, the in silico prediction for this alteration is inconclusive. Since supporting evidence is limited at this time, the clinical significance of this alteration remains unclear.

NM_000465.4(BARD1):c.1799T>C (p.Phe600Ser)

Gene: BARD1 (BRCA1 associated RING domain 1; minus strand). Cytogenetic location: 2q35.
Variant type: single nucleotide variant.
Coding change: c.1799T>C on transcript NM_000465.4 (MANE Select); coding-DNA position 1799, T replaced by C.
Protein change: p.Phe600Ser; replaces phenylalanine 600 with serine.
Molecular consequence: missense variant. On other transcripts: non-coding transcript variant (3), intron variant (1).
Genome position (GRCh38, 1-based): chr2:214,745,733, A>G on the plus strand (T>C on the coding strand, the complement: BARD1 is on the minus strand). VCF-style: chr2-214745733-A-G. GRCh37 (hg19) VCF-style: chr2-215610457-A-G.
Other names: c.1742T>C, p.Phe581Ser (NM_001282543.2); c.446T>C, p.Phe149Ser (NM_001282545.2); c.389T>C, p.Phe130Ser (NM_001282548.2); c.365-15225T>C (NM_001282549.2); short protein forms F149S, F581S, F600S, F130S.
Identifiers: ClinVar variation 2450486 (VCV002450486.2), dbSNP rs2469342040, ClinGen allele CA350452536.